The following is an entry in ClinVar:

NM_138389.4(FAM114A1):c.704G>C (p.Gly235Ala)

Gene: FAM114A1 (family with sequence similarity 114 member A1; plus strand). Cytogenetic location: 4p14.
Variant type: single nucleotide variant.
Coding change: c.704G>C on transcript NM_138389.4 (MANE Select); coding-DNA position 704, G replaced by C.
Protein change: p.Gly235Ala; replaces glycine 235 with alanine.
Molecular consequence: missense variant. On other transcripts: non-coding transcript variant (1).
Genome position (GRCh38, 1-based): chr4:38,908,638, G>C. VCF-style: chr4-38908638-G-C. GRCh37 (hg19) VCF-style: chr4-38910259-G-C.
Other names: c.110G>C, p.Gly37Ala (NM_001350634.2); c.704G>C, p.Gly235Ala (NM_001350635.3, NM_001375792.1, NM_001375793.1); c.83G>C, p.Gly28Ala (NM_001330764.2, NM_001350631.2); c.698G>C, p.Gly233Ala (NM_001350632.2); c.323G>C, p.Gly108Ala (NM_001350633.2); short protein forms G235A, G108A, G28A, G233A, G37A.
Identifiers: ClinVar variation 92026 (VCV000092026.2), dbSNP rs386352300, ClinGen allele CA232376.

ClinVar aggregate classification (germline): Uncertain significance (0 of 4 stars; one submission).

Submission:

Richard Lifton Laboratory, Yale University School of Medicine
Classification: Uncertain significance. Review status: no assertion criteria provided. Collection method: not provided. Allele origin: somatic.
Comment: FAM114A1
ClinVar note: Converted during submission from unknown to Uncertain significance.